The following is an entry in ClinVar:

ClinVar aggregate classification (germline): Uncertain significance. Review status: criteria provided, multiple submitters, no conflicts (2 of 4 stars). 2 submissions from 2 submitters: Uncertain significance (2). Last evaluated 2021-06-24.

Conditions:
Hereditary cancer-predisposing syndrome. Also called: Neoplastic Syndromes, Hereditary; Hereditary Cancer Syndrome; Tumor predisposition; Hereditary neoplastic syndrome. Identifiers: Orphanet 140162, MedGen C0027672, MeSH D009386, MONDO:0015356.

Submissions (2):

GeneDx
Classification: Uncertain significance. Last evaluated: 2021-06-24. Review status: criteria provided, single submitter. Criteria: GeneDx Variant Classification Process June 2021. Collection method: clinical testing. Allele origin: germline. Affected: yes.
Comment: Not observed at significant frequency in large population cohorts (Lek 2016); In silico analysis supports that this variant does not alter protein structure/function; Has not been previously published as pathogenic or benign to our knowledge; This variant is associated with the following publications: (PMID: 27535533)

Ambry Genetics
Classification: Uncertain significance for Hereditary cancer-predisposing syndrome. Last evaluated: 2017-06-27. Review status: criteria provided, single submitter. Criteria: Ambry Variant Classification Scheme 2023. Collection method: clinical testing. Allele origin: germline.
Comment: The c.2010_2012dupGGA variant (also known as p.E672dup), located in coding exon 13 of the SMARCA4 gene, results from an in-frame duplication of GGA at nucleotide positions 2010 to 2012. This results in the duplication of an extra glutamic acid residue between codons 672 and 673. The duplicated amino acid position is well conserved in available vertebrate species. Since supporting evidence is limited at this time, the clinical significance of this alteration remains unclear.

NM_001128849.1(SMARCA4):c.2010_2012dup

Gene: SMARCA4 (SWI/SNF related BAF chromatin remodeling complex subunit ATPase 4; plus strand). Cytogenetic location: 19p13.2.
Variant type: Microsatellite.
Coding change: c.2010_2012dup on transcript NM_001128849.1; coding-DNA positions 2010 to 2012, 3 bases duplicated (GGA; older notation c.2010_2012dupGGA).
Genome position (GRCh38, 1-based): chr19:11,007,910-11,007,912, GGA duplicated; duplicating any 3 consecutive bases within chr19:11,007,900-11,007,912 gives the same sequence; the c. name uses the placement nearest the transcript's 3' end. VCF-style (leftmost placement, unchanged base first): chr19-11007899-T-TAGG. GRCh37 (hg19) VCF-style: chr19-11118575-T-TAGG.
Identifiers: ClinVar variation 484979 (VCV000484979.9), dbSNP rs759896283, ClinGen allele CA658656778.